The following is an entry in ClinVar:

ClinVar aggregate classification (germline): Uncertain significance (1 of 4 stars; one submission).

Conditions:
Pontocerebellar hypoplasia type 2D (PCH2D). Also called: Progressive cerebello-cerebral atrophy. Identifiers: Orphanet 247198, Orphanet 2524, MedGen C3151140, MONDO:0013438, OMIM 613811.

Submission:

Clinical Genetics Laboratory, Universite de Sherbrooke
Classification: Uncertain significance for Pontocerebellar hypoplasia type 2D. Last evaluated: 2021-09-01. Review status: criteria provided, single submitter. Criteria: ACMG Guidelines, 2015. Collection method: curation. Allele origin: germline. Affected: yes.
Comment: Reported as a homozygous missense variant in an individual with a neurodevelopmental disorder manifesting as cerebral palsy, with SEPSECS-related PCH2D listed as the associated autosomal recessive condition. The variant was classified as a VUS in the original report (PMID:34540776).

Literature cited by the submitters: PubMed 34540776.

NM_016955.4(SEPSECS):c.877G>A (p.Ala293Thr)

Gene: SEPSECS (Sep (O-phosphoserine) tRNA:Sec (selenocysteine) tRNA synthase; minus strand). Cytogenetic location: 4p15.2.
Variant type: single nucleotide variant.
Coding change: c.877G>A on transcript NM_016955.4 (MANE Select); coding-DNA position 877, G replaced by A.
Protein change: p.Ala293Thr; replaces alanine 293 with threonine.
Molecular consequence: missense variant.
Genome position (GRCh38, 1-based): chr4:25,145,061, C>T on the plus strand (G>A on the coding strand, the complement: SEPSECS is on the minus strand). VCF-style: chr4-25145061-C-T. GRCh37 (hg19) VCF-style: chr4-25146683-C-T.
Other names: p.A293T; p.Ala293Thr; c.1132G>A, p.Ala378Thr (NM_001410714.1); short protein forms A293T, A378T.
Identifiers: ClinVar variation 4884336 (VCV004884336.1).
Genomic context (GRCh38, chr4:25,145,061, plus strand): 5'-TACCTGGATACATCTTGCTGATTTCCTGAATGAATGAATCATTAAAGCCAGCAATTATAG[C>T]ACCACCTACTGGAACCATAAAATTTTTGTCCAAGCTCTGAACAAAAGCATCTATTCTACC-3'
Protein context (NP_058651.3, residues 283-303): DKNFMVPVGG[Ala293Thr]IIAGFNDSFI